The following is an entry in ClinVar:

NM_000202.8(IDS):c.1037C>A (p.Ala346Asp)

Genes: IDS (iduronate 2-sulfatase; minus strand), LOC106050102 (IDS recombination region; plus strand). Cytogenetic location: Xq28.
Variant type: single nucleotide variant.
Coding change: c.1037C>A on transcript NM_000202.8 (MANE Select); coding-DNA position 1037, C replaced by A.
Protein change: p.Ala346Asp; replaces alanine 346 with aspartic acid.
Molecular consequence: missense variant.
Genome position (GRCh38, 1-based): chrX:149,487,068, G>T on the plus strand (C>A on the coding strand, the complement: IDS is on the minus strand). VCF-style: chrX-149487068-G-T. GRCh37 (hg19) VCF-style: chrX-148568599-G-T.
Other names: c.767C>A, p.Ala256Asp (NM_001166550.4); short protein forms A256D, A346D.
Identifiers: ClinVar variation 3255938 (VCV003255938.4).
Genomic context (GRCh38, chrX:149,487,068, plus strand): 5'-CTTCCAGGAACATAGAATATCAGGGGAACATGGGTAGCAACATCAAAATTGCTGTATTTG[G>T]CCCATTCTCCATGTTCACCTAGAGCCCACCCTAGTTCATAAAAAGCACAGAATGACAGAA-3'
Protein context (NP_000193.1, residues 336-356): GWALGEHGEW[Ala346Asp]KYSNFDVATH

ClinVar aggregate classification (germline): Likely pathogenic. Review status: criteria provided, multiple submitters, no conflicts (2 of 4 stars). 2 submissions from 2 submitters: Likely pathogenic (2). Last evaluated 2024-08-01.

Conditions:
Mucopolysaccharidosis, MPS-II (MPS2). Also called: Hunter Syndrome; IDURONATE 2-SULFATASE DEFICIENCY; Mucopolysaccharidosis Type II; Mucopolysaccharidosis type 2; Attenuated MPS (subtype; formerly known as mild MPS II); Severe MPS II. Identifiers: Orphanet 580, Orphanet 79388, MedGen C0026705, MONDO:0010674, OMIM 309900.

Submissions (2):

Labcorp Genetics (formerly Invitae), Labcorp
Classification: Likely pathogenic for Mucopolysaccharidosis, MPS-II. Last evaluated: 2024-08-01. Review status: criteria provided, single submitter. Criteria: Invitae Variant Classification Sherloc (09022015). Collection method: clinical testing. Allele origin: germline.
Comment: This sequence change replaces alanine, which is neutral and non-polar, with aspartic acid, which is acidic and polar, at codon 346 of the IDS protein (p.Ala346Asp). This variant is not present in population databases (gnomAD no frequency). This missense change has been observed in individual(s) with clinical and biochemical features of Hunter syndrome (PMID: 8566953; Invitae). Advanced modeling of protein sequence and biophysical properties (such as structural, functional, and spatial information, amino acid conservation, physicochemical variation, residue mobility, and thermodynamic stability) has been performed at Invitae for this missense variant, however the output from this modeling did not meet the statistical confidence thresholds required to predict the impact of this variant on IDS protein function. This variant disrupts the p.Ala346 amino acid residue in IDS. Other variant(s) that disrupt this residue have been determined to be pathogenic (PMID: 7599640, 33676511). This suggests that this residue is clinically significant, and that variants that disrupt this residue are likely to be disease-causing. In summary, the currently available evidence indicates that the variant is pathogenic, but additional data are needed to prove that conclusively. Therefore, this variant has been classified as Likely Pathogenic.

Laboratory of Diagnosis and Therapy of Lysosomal Disorders, University of Padova
Classification: Likely pathogenic for Mucopolysaccharidosis, MPS-II. Last evaluated: 2024-06-07. Review status: criteria provided, single submitter. Criteria: ACMG Guidelines, 2015. Collection method: literature only. Allele origin: germline. Affected: yes. Observed: 1 variant allele.
Comment: Absent from controls (or at low frequency) in gnomAD database (PM2_Moderate), Missense change at the same amino acid residue as a pathogenic variant (PM5_Moderate), Missense variant in a gene with a low rate of benign missense variation (PP2_Supporting), Multiple lines of computational evidence support a deleterious effect (PP3_Supporting), Patient’s phenotype or family history highly specific for the disease (PP4_Moderate)

Classification method: ACMG Guidelines [PMID:25741868] with modifications

Literature cited by the submitters: PubMed 8566953 (cited by Labcorp Genetics (formerly Invitae), Labcorp and Laboratory of Diagnosis and Therapy of Lysosomal Disorders, University of Padova); PubMed 7599640 (cited by Labcorp Genetics (formerly Invitae), Labcorp); PubMed 33676511 (cited by Labcorp Genetics (formerly Invitae), Labcorp).